The following is an entry in ClinVar:

ClinVar aggregate classification (germline): Uncertain significance. Review status: criteria provided, multiple submitters, no conflicts (2 of 4 stars). 5 submissions from 5 submitters: Uncertain significance (4). 1 of the submissions does not count toward it. Last evaluated 2025-09-27.

Conditions:
Hereditary diffuse gastric adenocarcinoma (HDGC). Also called: DIFFUSE GASTRIC AND LOBULAR BREAST CANCER SYNDROME. Identifiers: Orphanet 26106, MedGen C1708349, MONDO:0007648, OMIM 137215.
Cleft lip with or without cleft palate. Identifiers: Orphanet 1991, MedGen C0810364, MONDO:0016034.
Hereditary cancer-predisposing syndrome. Also called: Neoplastic Syndromes, Hereditary; Hereditary neoplastic syndrome; Tumor predisposition; Hereditary Cancer Syndrome. Identifiers: Orphanet 140162, MedGen C0027672, MeSH D009386, MONDO:0015356.

Allele frequency attached by ClinVar (database versions not stated): gnomAD exomes below 0.00001.
gnomAD v4.1: 4 of 1,613,796 alleles (0.00025%); highest among the groups gnomAD compares: East Asian, 0.0022%; no homozygotes.

Submissions (5):

Labcorp Genetics (formerly Invitae), Labcorp
Classification: Uncertain significance for Hereditary diffuse gastric adenocarcinoma. Last evaluated: 2025-09-27. Review status: criteria provided, single submitter. Criteria: Invitae Variant Classification Sherloc (09022015). Collection method: clinical testing. Allele origin: germline.
Comment: This sequence change replaces threonine, which is neutral and polar, with methionine, which is neutral and non-polar, at codon 251 of the CDH1 protein (p.Thr251Met). This variant is present in population databases (no rsID available, gnomAD 0.006%). This missense change has been observed in individual(s) with breast cancer and/or cleft lip (PMID: 29805042, 36436516). ClinVar contains an entry for this variant (Variation ID: 834042). An algorithm developed to predict the effect of missense changes on protein structure and function (PolyPhen-2) suggests that this variant is likely to be disruptive. In summary, the available evidence is currently insufficient to determine the role of this variant in disease. Therefore, it has been classified as a Variant of Uncertain Significance.

Ambry Genetics
Classification: Uncertain significance for Hereditary cancer-predisposing syndrome. Last evaluated: 2024-05-29. Review status: criteria provided, single submitter. Criteria: Ambry Variant Classification Scheme 2023. Collection method: clinical testing. Allele origin: germline.
Comment: The p.T251M variant (also known as c.752C>T), located in coding exon 6 of the CDH1 gene, results from a C to T substitution at nucleotide position 752. The threonine at codon 251 is replaced by methionine, an amino acid with similar properties. This amino acid position is not well conserved in available vertebrate species. In addition, this alteration is predicted to be tolerated by in silico analysis. Based on the available evidence, the clinical significance of this variant remains unclear.

European Reference Network on Genetic Tumour Risk Syndromes (ERN-GENTURIS), i3s - Instituto de Investigação e Inovação em Saúde, University of Porto
Classification: Uncertain significance for Hereditary diffuse gastric adenocarcinoma. Last evaluated: 2022-08-01. Review status: criteria provided, single submitter. Criteria: Lee et al. (Hum Mutat. 2018). Collection method: clinical testing. Allele origin: germline. Inheritance: Autosomal dominant inheritance. Affected: no. Study: ERN GENTURIS.
Comment: PM2; BS2_Supporting (PMID: 30311375)

Color Diagnostics, LLC DBA Color Health
Classification: Uncertain significance for Hereditary cancer-predisposing syndrome. Last evaluated: 2020-02-03. Review status: criteria provided, single submitter. Criteria: ACMG Guidelines, 2015. Collection method: clinical testing. Allele origin: germline.
Comment: This missense variant replaces threonine with methionine at codon 251 of the CDH1 protein. Computational prediction suggests that this variant may not impact protein structure and function (internally defined REVEL score threshold <= 0.5, PMID: 27666373). Splice site prediction tools suggest that this variant may not impact RNA splicing. To our knowledge, functional studies have not been performed for this variant. This variant has not been reported in individuals affected with hereditary cancer in the literature. This variant has been identified in 1/251464 chromosomes in the general population by the Genome Aggregation Database (gnomAD). The available evidence is insufficient to determine the role of this variant in disease conclusively. Therefore, this variant is classified as a Variant of Uncertain Significance.

University of Washington Center for Mendelian Genomics, University of Washington
Classification: Likely pathogenic for Cleft Lip with or without Cleft Palate. Review status: no assertion criteria provided. Collection method: research. Allele origin: unknown. Affected: yes. Not counted in ClinVar's aggregate classification.

Literature cited by the submitters: PubMed 29805042 (cited by Labcorp Genetics (formerly Invitae), Labcorp and University of Washington Center for Mendelian Genomics, University of Washington); PubMed 36436516 (cited by Labcorp Genetics (formerly Invitae), Labcorp and European Reference Network on Genetic Tumour Risk Syndromes (ERN-GENTURIS), i3s - Instituto de Investigação e Inovação em Saúde, University of Porto).

NM_004360.5(CDH1):c.752C>T (p.Thr251Met)

Gene: CDH1 (cadherin 1; plus strand). Cytogenetic location: 16q22.1.
Variant type: single nucleotide variant.
Coding change: c.752C>T on transcript NM_004360.5 (MANE Select); coding-DNA position 752, C replaced by T.
Protein change: p.Thr251Met; replaces threonine 251 with methionine.
Molecular consequence: missense variant. On other transcripts: 5 prime UTR variant (2).
Genome position (GRCh38, 1-based): chr16:68,810,261, C>T. VCF-style: chr16-68810261-C-T. GRCh37 (hg19) VCF-style: chr16-68844164-C-T.
Other names: c.752C>T, p.Thr251Met (NM_001317184.2); c.-864C>T (NM_001317185.2); c.-1068C>T (NM_001317186.2); short protein forms T251M.
Identifiers: ClinVar variation 834042 (VCV000834042.12), dbSNP rs1454205778, ClinGen allele CA396458589.